The following is an entry in ClinVar:

NM_001035.3(RYR2):c.2851G>C (p.Gly951Arg)

Gene: RYR2 (ryanodine receptor 2; plus strand). Cytogenetic location: 1q43.
Variant type: single nucleotide variant.
Coding change: c.2851G>C on transcript NM_001035.3 (MANE Select); coding-DNA position 2851, G replaced by C.
Protein change: p.Gly951Arg; replaces glycine 951 with arginine.
Molecular consequence: missense variant.
Genome position (GRCh38, 1-based): chr1:237,530,455, G>C. VCF-style: chr1-237530455-G-C. GRCh37 (hg19) VCF-style: chr1-237693755-G-C.
Other names: short protein forms G951R.
Identifiers: ClinVar variation 3901591 (VCV003901591.1).

ClinVar aggregate classification (germline): Uncertain significance (1 of 4 stars; one submission).

Submission:

GeneDx
Classification: Uncertain significance. Last evaluated: 2024-11-26. Review status: criteria provided, single submitter. Criteria: GeneDx Variant Classification Process June 2021. Collection method: clinical testing. Allele origin: germline. Affected: yes.
Comment: Not observed at significant frequency in large population cohorts (gnomAD); In silico analysis supports that this missense variant has a deleterious effect on protein structure/function; Has not been previously published as pathogenic or benign to our knowledge; This variant is associated with the following publications: (PMID: 19926015)